The following is an entry in ClinVar:

ClinVar aggregate classification (germline): Pathogenic (1 of 4 stars; one submission).

Conditions:
Neurofibromatosis, type 1 (NF1). Also called: Neurofibromatosis, type I; Peripheral type neurofibromatosis; NEUROFIBROMATOSIS, TYPE I, SOMATIC; VON RECKLINGHAUSEN DISEASE. Identifiers: Orphanet 636, MedGen C0027831, MONDO:0018975, OMIM 162200. Disease mechanism: loss of function.

Submission:

Labcorp Genetics (formerly Invitae), Labcorp
Classification: Pathogenic for Neurofibromatosis, type 1. Last evaluated: 2022-07-02. Review status: criteria provided, single submitter. Criteria: Invitae Variant Classification Sherloc (09022015). Collection method: clinical testing. Allele origin: germline.
Comment: This sequence change creates a premature translational stop signal (p.Gly444Trpfs*2) in the NF1 gene. It is expected to result in an absent or disrupted protein product. Loss-of-function variants in NF1 are known to be pathogenic (PMID: 10712197, 23913538). For these reasons, this variant has been classified as Pathogenic. This variant has not been reported in the literature in individuals affected with NF1-related conditions. This variant is not present in population databases (gnomAD no frequency).

Literature cited by the submitters: PubMed 10712197; PubMed 23913538.

NM_001042492.3(NF1):c.1329dup (p.Gly444fs)

Gene: NF1 (neurofibromin 1; plus strand). Cytogenetic location: 17q11.2.
Variant type: Duplication.
Coding change: c.1329dup on transcript NM_001042492.3 (MANE Select); coding-DNA position 1329, one base duplicated (T; older notation c.1329dupT).
Protein change: p.Gly444fs; shifts the reading frame from glycine 444.
Molecular consequence: frameshift variant.
Genome position (GRCh38, 1-based): chr17:31,206,308, T duplicated; the last of 3 consecutive T bases (chr17:31,206,306-31,206,308); duplicating any one gives the same sequence. VCF-style (leftmost placement, unchanged base first): chr17-31206305-G-GT. GRCh37 (hg19) VCF-style: chr17-29533323-G-GT.
Other names: c.1329dup, p.Gly444Trpfs (NM_000267.4); c.1329dup, p.Gly444fs (NM_001128147.3); short protein forms G444fs.
Identifiers: ClinVar variation 2002154 (VCV002002154.4), dbSNP rs2544811145, ClinGen allele CA2580093036.